The following is an entry in ClinVar:

ClinVar aggregate classification (germline): Uncertain significance (1 of 4 stars; one submission).

Conditions:
Hereditary cancer-predisposing syndrome. Also called: Neoplastic Syndromes, Hereditary; Tumor predisposition; Hereditary Cancer Syndrome; Hereditary neoplastic syndrome. Identifiers: Orphanet 140162, MedGen C0027672, MeSH D009386, MONDO:0015356.

Submission:

Ambry Genetics
Classification: Uncertain significance for Hereditary cancer-predisposing syndrome. Last evaluated: 2026-05-14. Review status: criteria provided, single submitter. Criteria: Ambry Variant Classification Scheme 2023. Collection method: clinical testing. Allele origin: germline.
Comment: The p.G1936V variant (also known as c.5807G>T), located in coding exon 42 of the POLE gene, results from a G to T substitution at nucleotide position 5807. The glycine at codon 1936 is replaced by valine, an amino acid with dissimilar properties. This amino acid position is conserved. In addition, the in silico prediction for this alteration is inconclusive. Based on the available evidence, the clinical significance of this variant remains unclear.

NM_006231.4(POLE):c.5807G>T (p.Gly1936Val)

Gene: POLE (DNA polymerase epsilon, catalytic subunit; minus strand). Cytogenetic location: 12q24.33.
Variant type: single nucleotide variant.
Coding change: c.5807G>T on transcript NM_006231.4 (MANE Select); coding-DNA position 5807, G replaced by T.
Protein change: p.Gly1936Val; replaces glycine 1936 with valine.
Molecular consequence: missense variant.
Genome position (GRCh38, 1-based): chr12:132,635,896, C>A on the plus strand (G>T on the coding strand, the complement: POLE is on the minus strand). VCF-style: chr12-132635896-C-A. GRCh37 (hg19) VCF-style: chr12-133212482-C-A.
Other names: short protein forms G1936V.
Identifiers: ClinVar variation 4862312 (VCV004862312.1).